The following is an entry in ClinVar:

ClinVar aggregate classification (germline): Likely pathogenic (1 of 4 stars; one submission).

Conditions:
Hereditary cancer-predisposing syndrome. Also called: Hereditary neoplastic syndrome; Neoplastic Syndromes, Hereditary; Tumor predisposition; Hereditary Cancer Syndrome. Identifiers: Orphanet 140162, MedGen C0027672, MeSH D009386, MONDO:0015356.

Submission:

Ambry Genetics
Classification: Likely pathogenic for Hereditary cancer-predisposing syndrome. Last evaluated: 2021-12-22. Review status: criteria provided, single submitter. Criteria: Ambry Variant Classification Scheme 2023. Collection method: clinical testing. Allele origin: germline.
Comment: The c.8842_8850+3824del3833 variant results from a deletion of 3833 nucleotides between positions c.8842 and c.8850+3824 and involves the canonical splice donor site after coding exon 60 of the ATM gene. The canonical splice donor site is highly conserved in available vertebrate species. In silico splice site analysis predicts that this alteration will weaken the native splice donor site; however direct evidence is insufficient at this time (Ambry internal data). Alterations that disrupt the canonical splice site are expected to cause aberrant splicing, resulting in an abnormal protein or a transcript that is subject to nonsense-mediated mRNA decay. As such, this alteration is classified as likely pathogenic.

NM_000051.4(ATM):c.8842_8850+3824del

Genes: ATM (ATM serine/threonine kinase; plus strand), C11orf65 (chromosome 11 open reading frame 65; minus strand). Cytogenetic location: 11q22.3.
Variant type: Deletion.
Coding change: c.8842_8850+3824del on transcript NM_000051.4 (MANE Select); coding-DNA position 8842 through 3824 bases into the intron after coding-DNA position 8850, 3,833 bases deleted.
Molecular consequence: splice donor variant. On other transcripts: intron variant (2).
Genome position (GRCh38, 1-based): chr11:108,354,866-108,358,698, 3,833 bases deleted. GRCh37 (hg19): chr11:108,225,593-108,229,425.
Other names: c.640+27223_640+31055del (NM_001330368.2); c.695-23405_695-19573del (NM_001351110.2); c.8842_8850+3824del (NM_001351834.2).
Identifiers: ClinVar variation 1764860 (VCV001764860.2), ClinGen allele CA2580083118.